The following is an entry in ClinVar:

NM_194312.4(ESPNL):c.1449G>A (p.Ala483=)

Gene: ESPNL (espin like; plus strand). Cytogenetic location: 2q37.3.
Variant type: single nucleotide variant.
Coding change: c.1449G>A on transcript NM_194312.4 (MANE Select); coding-DNA position 1449, G replaced by A.
Protein change: p.Ala483=; no amino-acid change (alanine 483 retained).
Molecular consequence: synonymous variant.
Genome position (GRCh38, 1-based): chr2:238,130,163, G>A. VCF-style: chr2-238130163-G-A. GRCh37 (hg19) VCF-style: chr2-239038804-G-A.
Other names: c.345G>A, p.Ala115= (NM_001308370.2).
Identifiers: ClinVar variation 2652059 (VCV002652059.24), dbSNP rs368696053, ClinGen allele CA2194821.

ClinVar aggregate classification (germline): Likely benign (1 of 4 stars; one submission).

Allele frequency attached by ClinVar (database versions not stated): gnomAD 0.00014; ExAC 0.00015; ESP Exome Variant Server 0.00015; TOPMed 0.00015; gnomAD exomes 0.00017.
gnomAD v4.1: 277 of 1,612,790 alleles (0.017%); highest among the groups gnomAD compares: Middle Eastern, 0.1%; no homozygotes.

Submission:

CeGaT Center for Human Genetics Tuebingen
Classification: Likely benign. Last evaluated: 2022-03-01. Review status: criteria provided, single submitter. Criteria: CeGaT Center For Human Genetics Tuebingen Variant Classification Criteria Version 2. Collection method: clinical testing. Allele origin: germline. Affected: yes. Observed: 1 variant allele.
Comment: ESPNL: BP4, BP7